The following is an entry in ClinVar:

ClinVar aggregate classification (germline): Uncertain significance (1 of 4 stars; one submission).

Submission:

GeneDx
Classification: Uncertain significance. Last evaluated: 2025-01-28. Review status: criteria provided, single submitter. Criteria: GeneDx Variant Classification Process June 2021. Collection method: clinical testing. Allele origin: germline. Affected: yes.
Comment: Not observed at significant frequency in large population cohorts (gnomAD); In silico analysis indicates that this missense variant does not alter protein structure/function; Has not been previously published as pathogenic or benign to our knowledge

NM_001148.6(ANK2):c.6683A>G (p.Glu2228Gly)

Gene: ANK2 (ankyrin 2; plus strand). Cytogenetic location: 4q26.
Variant type: single nucleotide variant.
Coding change: c.6683A>G on transcript NM_001148.6 (MANE Select); coding-DNA position 6683, A replaced by G.
Protein change: p.Glu2228Gly; replaces glutamic acid 2228 with glycine.
Molecular consequence: missense variant. On other transcripts: intron variant (68).
Genome position (GRCh38, 1-based): chr4:113,355,301, A>G. VCF-style: chr4-113355301-A-G. GRCh37 (hg19) VCF-style: chr4-114276457-A-G.
Other names: c.6449A>G, p.Glu2150Gly (NM_001386142.1); c.3083A>G, p.Glu1028Gly (NM_001386166.1); c.6824A>G, p.Glu2275Gly (NM_001386174.1); c.6800A>G, p.Glu2267Gly (NM_001386175.1); c.4411+5052A>G (NM_001386186.2, NM_001386148.2); c.4264+5052A>G (NM_001354262.2, NM_001354275.2, NM_001354245.2); c.4201+5052A>G (NM_001354253.2, NM_001354270.2); c.4165+5052A>G (NM_001354257.2, NM_001386156.1); and 35 more; short protein forms E1028G, E2150G, E2228G, E2267G, E2275G.
Identifiers: ClinVar variation 4071896 (VCV004071896.1).